The following is an entry in ClinVar:

ClinVar aggregate classification (germline): Uncertain significance (1 of 4 stars; one submission).

Conditions:
Combined oxidative phosphorylation deficiency 36 (COXPD36). Identifiers: MedGen C4693722, MONDO:0054781, OMIM 617950.

gnomAD v4.1: 1 of 1,613,718 alleles (0.000062%); highest among the groups gnomAD compares: Non-Finnish European, 0.000085%; no homozygotes.

Submission:

Kasturba Medical College, Manipal, Kasturba Medical College, Manipal, Manipal Academy of Higher Education, Manipal, India
Classification: Uncertain significance for Combined oxidative phosphorylation deficiency 36. Last evaluated: 2026-01-19. Review status: criteria provided, single submitter. Criteria: ACMG Guidelines, 2015. Collection method: research. Allele origin: biparental. Inheritance: Autosomal recessive inheritance. Affected: yes. Observed: 1 variant allele, 1 homozygote.
Comment: A novel missense variant c.271C>G; This variant is present in one individual in heterozygous state and absent in homozygous state in gnomAD (v4.1.0). This variant is not observed in heterozygous and/or homozygous state in our in-house database of 3,850 exomes. In silico prediction tool (MutationTaster) predicts this variant to be damaging to MRPS2 protein function.

NM_016034.5(MRPS2):c.271C>G (p.Leu91Val)

Gene: MRPS2 (mitochondrial ribosomal protein S2; plus strand). Cytogenetic location: 9q34.3.
Variant type: single nucleotide variant.
Coding change: c.271C>G on transcript NM_016034.5 (MANE Select); coding-DNA position 271, C replaced by G.
Protein change: p.Leu91Val; replaces leucine 91 with valine.
Molecular consequence: missense variant. On other transcripts: non-coding transcript variant (4).
Genome position (GRCh38, 1-based): chr9:135,501,945, C>G. VCF-style: chr9-135501945-C-G. GRCh37 (hg19) VCF-style: chr9-138393791-C-G.
Other names: c.271C>G, p.Leu91Val (NM_001371401.1); short protein forms L91V.
Identifiers: ClinVar variation 4886911 (VCV004886911.1).